The following is an entry in ClinVar:

NM_020911.2(PLXNA4):c.8C>A (p.Ala3Asp)

Gene: PLXNA4 (plexin A4; minus strand). Cytogenetic location: 7q32.3.
Variant type: single nucleotide variant.
Coding change: c.8C>A on transcript NM_020911.2 (MANE Select); coding-DNA position 8, C replaced by A.
Protein change: p.Ala3Asp; replaces alanine 3 with aspartic acid.
Molecular consequence: missense variant.
Genome position (GRCh38, 1-based): chr7:132,508,686, G>T on the plus strand (C>A on the coding strand, the complement: PLXNA4 is on the minus strand). VCF-style: chr7-132508686-G-T. GRCh37 (hg19) VCF-style: chr7-132193445-G-T.
Other names: c.8C>A, p.Ala3Asp (NM_001105543.2, NM_001393897.1, NM_181775.4); short protein forms A3D.
Identifiers: ClinVar variation 4977207 (VCV004977207.1).
Genomic context (GRCh38, chr7:132,508,686, plus strand): 5'-GAGGAGCCCATGCCCACCATGAGGAGGTGGGAGAGAAGGCAGGTCCAGTTCCAGGGCATG[G>T]CTTTCATGGCAGAGGCGGGTCCCAGTGGCACAGCAGCACTCAGGCACAGTCGTCCCCTCA-3'
Protein context (NP_065962.1, residues 1-13): MK[Ala3Asp]MPWNWTCLLS

ClinVar aggregate classification (germline): Uncertain significance (1 of 4 stars; one submission).

Conditions:
PLXNA4-related disorder. Also called: PLXNA4-related condition.

gnomAD v4.1: 13 of 1,515,178 alleles (0.00086%); highest among the groups gnomAD compares: Middle Eastern, 0.017%; no homozygotes.

Submission:

PreventionGenetics, part of Exact Sciences
Classification: Uncertain significance for PLXNA4-related condition. Last evaluated: 2026-08-18. Review status: criteria provided, single submitter. Criteria: ACMG Guidelines, 2015. Collection method: clinical testing. Allele origin: germline.
Comment: The PLXNA4 c.8C>A variant is predicted to result in the amino acid substitution p.Ala3Asp. To our knowledge, this variant has not been reported in the literature. This variant is reported in 0.0019% of alleles in individuals of European (Non-Finnish) descent in gnomAD. At this time, the clinical significance of this variant is uncertain due to the absence of conclusive functional and genetic evidence.